The following is an entry in ClinVar:

NM_001369.3(DNAH5):c.9139G>T (p.Glu3047Ter)

Gene: DNAH5 (dynein axonemal heavy chain 5; minus strand). Cytogenetic location: 5p15.2.
Variant type: single nucleotide variant.
Coding change: c.9139G>T on transcript NM_001369.3 (MANE Select); coding-DNA position 9139, G replaced by T.
Protein change: p.Glu3047Ter; replaces glutamic acid 3047 with a stop codon.
Molecular consequence: nonsense.
Genome position (GRCh38, 1-based): chr5:13,776,673, C>A on the plus strand (G>T on the coding strand, the complement: DNAH5 is on the minus strand). VCF-style: chr5-13776673-C-A. GRCh37 (hg19) VCF-style: chr5-13776782-C-A.
Other names: short protein forms E3047*.
Identifiers: ClinVar variation 1725436 (VCV001725436.2), dbSNP rs2546679549, ClinGen allele CA359209662.
Genomic context (GRCh38, chr5:13,776,673, plus strand): 5'-TGGTAGGAAGGCACCTGGGGAATTCTTTTTTCATGACTGATGCCAGGTCGCTATTAATTT[C>A]ATCAATTTCATCTCGAGCAAATAGGTTAGAGACCTTAAAAAGAAGTACAGGCATGCAAAT-3'

ClinVar aggregate classification (germline): Likely pathogenic (1 of 4 stars; one submission).

Conditions:
Primary ciliary dyskinesia 3. Identifiers: Orphanet 244, MedGen C1837618, MONDO:0012085, OMIM 608644.

Submission:

Myriad Genetics, Inc.
Classification: Likely pathogenic for Primary ciliary dyskinesia 3. Last evaluated: 2021-12-03. Review status: criteria provided, single submitter. Criteria: Myriad Women's Health Autosomal Recessive and X-Linked Classification Criteria (2021). Collection method: clinical testing. Allele origin: unknown.
Comment: NM_001369.2(DNAH5):c.9139G>T(E3047*) is expected to be pathogenic in the context of DNAH5-related primary ciliary dyskinesia. This variant is predicted to lead to an abnormal or absent protein product due to the creation of a premature termination codon in DNAH5, a gene where loss-of-function variants are known to be pathogenic. Please note: this variant was assessed in the context of healthy population screening.